The following is an entry in ClinVar:

NM_000059.4(BRCA2):c.9457G>A (p.Gly3153Ser)

Gene: BRCA2 (BRCA2 DNA repair associated; plus strand). Cytogenetic location: 13q13.1.
Variant type: single nucleotide variant.
Coding change: c.9457G>A on transcript NM_000059.4 (MANE Select); coding-DNA position 9457, G replaced by A.
Protein change: p.Gly3153Ser; replaces glycine 3153 with serine.
Molecular consequence: missense variant.
Genome position (GRCh38, 1-based): chr13:32,394,889, G>A. VCF-style: chr13-32394889-G-A. GRCh37 (hg19) VCF-style: chr13-32969026-G-A.
Other names: c.9457G>A (NM_000059.3); short protein forms G3153S.
Identifiers: ClinVar variation 1002814 (VCV001002814.17), dbSNP rs1566259215, ClinGen allele CA387761679.

ClinVar aggregate classification (germline): Conflicting classifications of pathogenicity. Review status: criteria provided, conflicting classifications (1 of 4 stars). 3 submissions from 3 submitters: Uncertain significance (2); Likely benign (1). Last evaluated 2025-05-16.

Conditions:
Hereditary cancer-predisposing syndrome. Also called: Hereditary neoplastic syndrome; Neoplastic Syndromes, Hereditary; Tumor predisposition; Hereditary Cancer Syndrome. Identifiers: Orphanet 140162, MedGen C0027672, MeSH D009386, MONDO:0015356.
Hereditary breast ovarian cancer syndrome. Also called: Hereditary breast and/or ovarian cancer syndrome; Hereditary breast and ovarian cancer syndrome; Hereditary breast and ovarian cancer syndrome (HBOC); Breast and ovarian cancer; BRCA1- and BRCA2-Associated Hereditary Breast and Ovarian Cancer; Hereditary breast and ovarian cancer. Identifiers: Orphanet 145, MedGen C0677776, MeSH D061325, MONDO:0003582. Disease mechanism: loss of function.

Submissions (3):

Ambry Genetics
Classification: Likely benign for Hereditary cancer-predisposing syndrome. Last evaluated: 2025-05-16. Review status: criteria provided, single submitter. Criteria: Ambry Variant Classification Scheme 2023. Collection method: clinical testing. Allele origin: germline.

Quest Diagnostics Nichols Institute San Juan Capistrano
Classification: Uncertain significance. Last evaluated: 2023-12-12. Review status: criteria provided, single submitter. Criteria: Quest Diagnostics criteria. Collection method: clinical testing. Allele origin: unknown.
Comment: The BRCA2 c.9457G>A (p.Gly3153Ser) variant has not been reported in individuals with BRCA2-related conditions in the published literature. It also has not been reported in large, multi-ethnic general populations (Genome Aggregation Database). Analysis of this variant using bioinformatics tools for the prediction of the effect of amino acid changes on protein structure and function yielded predictions that this variant is benign. Based on the available information, we are unable to determine the clinical significance of this variant.

Labcorp Genetics (formerly Invitae), Labcorp
Classification: Uncertain significance for Hereditary breast ovarian cancer syndrome. Last evaluated: 2022-09-30. Review status: criteria provided, single submitter. Criteria: Invitae Variant Classification Sherloc (09022015). Collection method: clinical testing. Allele origin: germline.
Comment: ClinVar contains an entry for this variant (Variation ID: 1002814). This variant has not been reported in the literature in individuals affected with BRCA2-related conditions. This variant is not present in population databases (gnomAD no frequency). This sequence change replaces glycine, which is neutral and non-polar, with serine, which is neutral and polar, at codon 3153 of the BRCA2 protein (p.Gly3153Ser). Advanced modeling of protein sequence and biophysical properties (such as structural, functional, and spatial information, amino acid conservation, physicochemical variation, residue mobility, and thermodynamic stability) performed at Invitae indicates that this missense variant is not expected to disrupt BRCA2 protein function. In summary, the available evidence is currently insufficient to determine the role of this variant in disease. Therefore, it has been classified as a Variant of Uncertain Significance.